The following is an entry in ClinVar:

ClinVar aggregate classification (germline): Uncertain significance. Review status: criteria provided, multiple submitters, no conflicts (2 of 4 stars). 4 submissions from 3 submitters: Uncertain significance (4). Last evaluated 2023-02-08.

Conditions:
Dilated cardiomyopathy 1L (CMD1L). Identifiers: Orphanet 154, MedGen C1847667, MONDO:0011702, OMIM 606685.
Autosomal recessive limb-girdle muscular dystrophy type 2F (LGMDR6). Also called: MUSCULAR DYSTROPHY, LIMB-GIRDLE, AUTOSOMAL RECESSIVE 6; Muscular dystrophy limb-girdle with delta-sarcoglyan deficiency. Identifiers: Orphanet 219, MedGen C1832525, MONDO:0011028, OMIM 601287. Disease mechanism: Affects gamma-sarcoglycan and also disrupts the integrity of the entire sarcoglycan complex..

Allele frequency attached by ClinVar (database versions not stated): TOPMed below 0.00001; gnomAD 0.00001; gnomAD exomes 0.00002 and 0.00003.
gnomAD v4.1: 39 of 1,612,416 alleles (0.0024%); highest among the groups gnomAD compares: Non-Finnish European, 0.0032%; no homozygotes.

Submissions (4):

Genome-Nilou Lab
Classification: Uncertain significance for Autosomal recessive limb-girdle muscular dystrophy type 2F. Last evaluated: 2023-02-08. Review status: criteria provided, single submitter. Criteria: ACMG Guidelines, 2015. Collection method: clinical testing. Allele origin: germline.

Genome-Nilou Lab
Classification: Uncertain significance for Dilated cardiomyopathy 1L. Last evaluated: 2023-02-08. Review status: criteria provided, single submitter. Criteria: ACMG Guidelines, 2015. Collection method: clinical testing. Allele origin: germline.

Fulgent Genetics
Classification: Uncertain significance for Autosomal recessive limb-girdle muscular dystrophy type 2F; Dilated cardiomyopathy 1L. Last evaluated: 2021-11-05. Review status: criteria provided, single submitter. Criteria: ACMG Guidelines, 2015. Collection method: clinical testing. Allele origin: unknown.

Labcorp Genetics (formerly Invitae), Labcorp
Classification: Uncertain significance for Autosomal recessive limb-girdle muscular dystrophy type 2F. Last evaluated: 2021-09-21. Review status: criteria provided, single submitter. Criteria: Invitae Variant Classification Sherloc (09022015). Collection method: clinical testing. Allele origin: germline.
Comment: This sequence change replaces serine with cysteine at codon 145 of the SGCD protein (p.Ser145Cys). The serine residue is moderately conserved and there is a moderate physicochemical difference between serine and cysteine. This variant is not present in population databases (ExAC no frequency). This variant has not been reported in the literature in individuals affected with SGCD-related conditions. Algorithms developed to predict the effect of missense changes on protein structure and function are either unavailable or do not agree on the potential impact of this missense change (SIFT: "Deleterious"; PolyPhen-2: "Possibly Damaging"; Align-GVGD: "Class C0"). In summary, the available evidence is currently insufficient to determine the role of this variant in disease. Therefore, it has been classified as a Variant of Uncertain Significance.

NM_000337.6(SGCD):c.434C>G (p.Ser145Cys)

Gene: SGCD (sarcoglycan delta; plus strand). Cytogenetic location: 5q33.3.
Variant type: single nucleotide variant.
Coding change: c.434C>G on transcript NM_000337.6 (MANE Select); coding-DNA position 434, C replaced by G.
Protein change: p.Ser145Cys; replaces serine 145 with cysteine.
Molecular consequence: missense variant.
Genome position (GRCh38, 1-based): chr5:156,594,983, C>G. VCF-style: chr5-156594983-C-G. GRCh37 (hg19) VCF-style: chr5-156021993-C-G.
Other names: c.431C>G, p.Ser144Cys (NM_001128209.2); c.434C>G, p.Ser145Cys (NM_172244.3); short protein forms S145C, S144C.
Identifiers: ClinVar variation 464019 (VCV000464019.5), dbSNP rs1324593212, ClinGen allele CA362010491.